The following is an entry in ClinVar:

ClinVar aggregate classification (germline): Conflicting classifications of pathogenicity. Review status: criteria provided, conflicting classifications (1 of 4 stars). 2 submissions from 2 submitters: Likely pathogenic (1); Uncertain significance (1). Last evaluated 2026-03-27.

Conditions:
GNE myopathy (NM). Also called: MYOPATHY, DISTAL, WITH OR WITHOUT RIMMED VACUOLES; INCLUSION BODY MYOPATHY, HEREDITARY, AUTOSOMAL RECESSIVE; INCLUSION BODY MYOPATHY 2, AUTOSOMAL RECESSIVE; IBM 2; Inclusion body myopathy autosomal recessive; Inclusion body myopathy quadriceps sparing. Identifiers: Orphanet 602, MedGen C1853926, MONDO:0011603, OMIM 605820.

Submissions (2):

Women's Health and Genetics/Laboratory Corporation of America, LabCorp
Classification: Likely pathogenic for GNE myopathy. Last evaluated: 2026-03-27. Review status: criteria provided, single submitter. Criteria: LabCorp Variant Classification Summary - May 2015. Collection method: clinical testing. Allele origin: germline.
Comment: Variant summary: GNE c.922C>G (p.Arg308Gly) results in a non-conservative amino acid change in the encoded protein sequence. Algorithms developed to predict the effect of missense changes on protein structure and function all suggest that this variant is likely to be disruptive. The variant was absent in 251480 control chromosomes. c.922C>G has been observed in the compound heterozygous state in at least two individuals affected with GNE myopathy (e.g. Cho_2014, Park_2019). These data indicate that the variant may be associated with disease. To our knowledge, no experimental evidence demonstrating an impact on protein function has been reported. However, a different variant affecting the same codon has been classified as pathogenic by our lab (c.922C>T, p.Arg308Cys), supporting the critical relevance of codon 308 to GNE protein function. The following publications have been ascertained in the context of this evaluation (PMID: 24027297, 31286697). ClinVar contains an entry for this variant (Variation ID: 498576). Based on the evidence outlined above, the variant was classified as likely pathogenic.

Eurofins Ntd Llc (ga)
Classification: Uncertain significance. Last evaluated: 2016-11-16. Review status: criteria provided, single submitter. Criteria: EGL Classification Definitions 2015. Collection method: clinical testing. Allele origin: germline. Observed: 1 variant allele, 1 heterozygote.

Literature cited by the submitters: PubMed 24027297 (cited by Women's Health and Genetics/Laboratory Corporation of America, LabCorp); PubMed 31286697 (cited by Women's Health and Genetics/Laboratory Corporation of America, LabCorp).

NM_005476.7(GNE):c.829C>G (p.Arg277Gly)

Gene: GNE (glucosamine (UDP-N-acetyl)-2-epimerase/N-acetylmannosamine kinase; minus strand). Cytogenetic location: 9p13.3.
Variant type: single nucleotide variant.
Coding change: c.829C>G on transcript NM_005476.7 (MANE Select); coding-DNA position 829, C replaced by G.
Protein change: p.Arg277Gly; replaces arginine 277 with glycine.
Molecular consequence: missense variant.
Genome position (GRCh38, 1-based): chr9:36,234,073, G>C on the plus strand (C>G on the coding strand, the complement: GNE is on the minus strand). VCF-style: chr9-36234073-G-C. GRCh37 (hg19) VCF-style: chr9-36234070-G-C.
Other names: c.922C>G, p.Arg308Gly (NM_001128227.3); c.829C>G, p.Arg277Gly (NM_001190383.3); c.499C>G, p.Arg167Gly (NM_001190384.3); c.652C>G, p.Arg218Gly (NM_001190388.2, NM_001374798.1); c.676C>G, p.Arg226Gly (NM_001374797.1); short protein forms R277G, R308G, R167G, R218G, R226G.
Identifiers: ClinVar variation 498576 (VCV000498576.6), dbSNP rs762106720, ClinGen allele CA373430783.